The following is an entry in ClinVar:

NC_000002.12:g.121530890_121530891insA

Genes: CLASP1 (cytoplasmic linker associated protein 1; minus strand), CLASP1-AS1 (CLASP1 antisense RNA 1; plus strand), RNU4ATAC (RNA, U4atac small nuclear; plus strand). Cytogenetic location: 2q14.2.
Variant type: Insertion.
Molecular consequence: intron variant (on NM_001395891.1).
Genome position: GRCh38 VCF-style: chr2-121530890-T-TA. GRCh37 (hg19) VCF-style: chr2-122288466-T-TA.
Other names: c.196-566_196-565insT (NM_001142274.2, NM_015282.3, NM_001378003.1 and 5 more transcripts).
Identifiers: ClinVar variation 1915970 (VCV001915970.2), dbSNP rs777457137, ClinGen allele CA54810761.

ClinVar aggregate classification (germline): Uncertain significance (1 of 4 stars; one submission).

Allele frequency attached by ClinVar (database versions not stated): TOPMed 0.00002; gnomAD 0.00004.

Submission:

Labcorp Genetics (formerly Invitae), Labcorp
Classification: Uncertain significance. Last evaluated: 2022-10-19. Review status: criteria provided, single submitter. Criteria: Invitae Variant Classification Sherloc (09022015). Collection method: clinical testing. Allele origin: germline.
Comment: This variant occurs in the RNU4ATAC gene, which encodes an RNA molecule that does not result in a protein product. This variant is present in population databases (rs777457137, gnomAD 0.005%). This variant has not been reported in the literature in individuals affected with RNU4ATAC-related conditions. Experimental studies and prediction algorithms are not available or were not evaluated, and the functional significance of this variant is currently unknown. In summary, the available evidence is currently insufficient to determine the role of this variant in disease. Therefore, it has been classified as a Variant of Uncertain Significance.